The following is an entry in ClinVar:

NM_020911.2(PLXNA4):c.139C>G (p.Pro47Ala)

Gene: PLXNA4 (plexin A4; minus strand). Cytogenetic location: 7q32.3.
Variant type: single nucleotide variant.
Coding change: c.139C>G on transcript NM_020911.2 (MANE Select); coding-DNA position 139, C replaced by G.
Protein change: p.Pro47Ala; replaces proline 47 with alanine.
Molecular consequence: missense variant.
Genome position (GRCh38, 1-based): chr7:132,508,555, G>C on the plus strand (C>G on the coding strand, the complement: PLXNA4 is on the minus strand). VCF-style: chr7-132508555-G-C. GRCh37 (hg19) VCF-style: chr7-132193314-G-C.
Other names: c.139C>G, p.Pro47Ala (NM_001105543.2, NM_001393897.1, NM_181775.4); short protein forms P47A.
Identifiers: ClinVar variation 4986648 (VCV004986648.1).

ClinVar aggregate classification (germline): Uncertain significance (1 of 4 stars; one submission).

Conditions:
PLXNA4-related disorder. Also called: PLXNA4-related condition.

gnomAD v4.1: 35 of 1,614,038 alleles (0.0022%); highest among the groups gnomAD compares: Non-Finnish European, 0.0029%; no homozygotes.

Submission:

PreventionGenetics, part of Exact Sciences
Classification: Uncertain significance for PLXNA4-related condition. Last evaluated: 2026-02-17. Review status: criteria provided, single submitter. Criteria: ACMG Guidelines, 2015. Collection method: clinical testing. Allele origin: germline.
Comment: The PLXNA4 c.139C>G variant is predicted to result in the amino acid substitution p.Pro47Ala. To our knowledge, this variant has not been reported in the literature. This variant is reported in 0.0029% of alleles in individuals of Latino descent in gnomAD. At this time, the clinical significance of this variant is uncertain due to the absence of conclusive functional and genetic evidence.